The following is an entry in ClinVar:

NM_001277115.2(DNAH11):c.10761G>T (p.Leu3587Phe)

Gene: DNAH11 (dynein axonemal heavy chain 11; plus strand). Cytogenetic location: 7p15.3.
Variant type: single nucleotide variant.
Coding change: c.10761G>T on transcript NM_001277115.2 (MANE Select); coding-DNA position 10761, G replaced by T.
Protein change: p.Leu3587Phe; replaces leucine 3587 with phenylalanine.
Molecular consequence: missense variant.
Genome position (GRCh38, 1-based): chr7:21,842,613, G>T. VCF-style: chr7-21842613-G-T. GRCh37 (hg19) VCF-style: chr7-21882231-G-T.
Other names: short protein forms L3587F.
Identifiers: ClinVar variation 1380549 (VCV001380549.3), dbSNP rs1467510424, ClinGen allele CA366956732.

ClinVar aggregate classification (germline): Uncertain significance (1 of 4 stars; one submission).

Conditions:
Primary ciliary dyskinesia. Also called: Ciliary dyskinesia. Identifiers: Orphanet 244, MedGen C0008780, MONDO:0016575, HP:0012265.

Submission:

Labcorp Genetics (formerly Invitae), Labcorp
Classification: Uncertain significance for Primary ciliary dyskinesia. Last evaluated: 2022-06-13. Review status: criteria provided, single submitter. Criteria: Invitae Variant Classification Sherloc (09022015). Collection method: clinical testing. Allele origin: germline.
Comment: This sequence change replaces leucine, which is neutral and non-polar, with phenylalanine, which is neutral and non-polar, at codon 3587 of the DNAH11 protein (p.Leu3587Phe). This variant is not present in population databases (gnomAD no frequency). This variant has not been reported in the literature in individuals affected with DNAH11-related conditions. Experimental studies and prediction algorithms are not available or were not evaluated, and the functional significance of this variant is currently unknown. In summary, the available evidence is currently insufficient to determine the role of this variant in disease. Therefore, it has been classified as a Variant of Uncertain Significance.